The following is an entry in ClinVar:

ClinVar aggregate classification (germline): Conflicting classifications of pathogenicity. Review status: criteria provided, conflicting classifications (1 of 4 stars). 5 submissions from 5 submitters: Uncertain significance (4); Likely benign (1). Last evaluated 2026-02-19.

Conditions:
CSRP3-related disorder. Also called: CSRP3-related condition; CSRP3-related disorders.
Cardiovascular phenotype. Identifiers: MedGen CN230736.
Hypertrophic cardiomyopathy 12. Identifiers: MedGen C2677491, MONDO:0012804, OMIM 612124.
Dilated cardiomyopathy 1M (CMD1M). Identifiers: Orphanet 154, MedGen C1843808, MONDO:0011840, OMIM 607482.

Allele frequency attached by ClinVar (database versions not stated): gnomAD exomes 0.00001 and 0.00003; TOPMed 0.00002; ExAC 0.00004.
gnomAD v4.1: 13 of 1,614,214 alleles (0.00081%); highest among the groups gnomAD compares: Middle Eastern, 0.016%; no homozygotes.

Submissions (5):

PreventionGenetics, part of Exact Sciences
Classification: Uncertain significance for CSRP3-related condition. Last evaluated: 2026-02-19. Review status: criteria provided, single submitter. Criteria: ACMG Guidelines, 2015. Collection method: clinical testing. Allele origin: germline.
Comment: The CSRP3 c.352G>A variant is predicted to result in the amino acid substitution p.Glu118Lys. To our knowledge, this variant has not been reported in the literature. This variant is reported in 0.0087% of alleles in individuals of Latino descent in gnomAD. At this time, the clinical significance of this variant is uncertain due to the absence of conclusive functional and genetic evidence.

Labcorp Genetics (formerly Invitae), Labcorp
Classification: Uncertain significance for Hypertrophic cardiomyopathy 12; Dilated cardiomyopathy 1M. Last evaluated: 2025-10-13. Review status: criteria provided, single submitter. Criteria: Invitae Variant Classification Sherloc (09022015). Collection method: clinical testing. Allele origin: germline.
Comment: This sequence change replaces glutamic acid, which is acidic and polar, with lysine, which is basic and polar, at codon 118 of the CSRP3 protein (p.Glu118Lys). This variant is present in population databases (rs763096875, gnomAD 0.009%). This variant has not been reported in the literature in individuals affected with CSRP3-related conditions. ClinVar contains an entry for this variant (Variation ID: 239542). An algorithm developed to predict the effect of missense changes on protein structure and function (PolyPhen-2) suggests that this variant is likely to be tolerated. In summary, the available evidence is currently insufficient to determine the role of this variant in disease. Therefore, it has been classified as a Variant of Uncertain Significance.

Molecular Diagnostic Laboratory for Inherited Cardiovascular Disease, Montreal Heart Institute
Classification: Uncertain significance for Cardiovascular phenotype. Last evaluated: 2025-04-09. Review status: criteria provided, single submitter. Criteria: ACMG Guidelines, 2015. Collection method: clinical testing. Allele origin: germline. Affected: yes.

Blueprint Genetics
Classification: Likely benign. Last evaluated: 2023-03-22. Review status: criteria provided, single submitter. Criteria: ACMG Guidelines, 2015. Collection method: clinical testing. Allele origin: germline.

Ambry Genetics
Classification: Uncertain significance for Cardiovascular phenotype. Last evaluated: 2022-11-07. Review status: criteria provided, single submitter. Criteria: Ambry Variant Classification Scheme 2023. Collection method: clinical testing. Allele origin: germline.
Comment: The p.E118K variant (also known as c.352G>A), located in coding exon 3 of the CSRP3 gene, results from a G to A substitution at nucleotide position 352. The glutamic acid at codon 118 is replaced by lysine, an amino acid with similar properties. This amino acid position is not well conserved in available vertebrate species. In addition, the in silico prediction for this alteration is inconclusive. Since supporting evidence is limited at this time, the clinical significance of this alteration remains unclear.

NM_003476.5(CSRP3):c.352G>A (p.Glu118Lys)

Gene: CSRP3 (cysteine and glycine rich protein 3; minus strand). Cytogenetic location: 11p15.1.
Variant type: single nucleotide variant.
Coding change: c.352G>A on transcript NM_003476.5 (MANE Select); coding-DNA position 352, G replaced by A.
Protein change: p.Glu118Lys; replaces glutamic acid 118 with lysine.
Molecular consequence: missense variant. On other transcripts: synonymous variant (1).
Genome position (GRCh38, 1-based): chr11:19,186,278, C>T on the plus strand (G>A on the coding strand, the complement: CSRP3 is on the minus strand). VCF-style: chr11-19186278-C-T. GRCh37 (hg19) VCF-style: chr11-19207825-C-T.
Other names: c.352G>A (LRG_440t1); c.183G>A, p.Pro61= (NM_001369404.1); short protein forms E118K.
Identifiers: ClinVar variation 239542 (VCV000239542.18), dbSNP rs763096875, ClinGen allele CA5916565.
Genomic context (GRCh38, chr11:19,186,278, plus strand): 5'-TGCCACCTCCCATAACCTTCTCAGCAGCATAGACTGACTTGCCACATCGAGGGCACTTCT[C>T]GGACTCTCCAAACTTCGCAGTGAATTTGGAAGGGTTGCTGGTGGTAACTGAGCGTGCCGG-3'
Protein context (NP_003467.1, residues 108-128): SKFTAKFGES[Glu118Lys]KCPRCGKSVY